The following is an entry in ClinVar:

NM_023067.4(FOXL2):c.353_476dup (p.His159fs)

Gene: FOXL2 (forkhead box L2; minus strand). Cytogenetic location: 3q22.3.
Variant type: Duplication.
Coding change: c.353_476dup on transcript NM_023067.4 (MANE Select); coding-DNA positions 353 to 476, 124 bases duplicated.
Protein change: p.His159fs; shifts the reading frame from histidine 159.
Molecular consequence: frameshift variant.
Genome position (GRCh38, 1-based): chr3:138,946,247-138,946,370, 124 bases duplicated. GRCh37 (hg19): chr3:138,665,089-138,665,212.
Other names: short protein forms H159fs.
Identifiers: ClinVar variation 369909 (VCV000369909.1), dbSNP rs1553752890, ClinGen allele CA10654883.

ClinVar aggregate classification (germline): Pathogenic (1 of 4 stars; one submission).

Conditions:
Blepharophimosis, ptosis, and epicanthus inversus syndrome. Identifiers: Orphanet 126, MedGen C0220663, MONDO:0007201, OMIM 110100.

Submission:

Genomic Diagnostic Laboratory, Division of Genomic Diagnostics, Children's Hospital of Philadelphia
Classification: Pathogenic for Blepharophimosis, ptosis, and epicanthus inversus syndrome. Last evaluated: 2016-11-03. Review status: criteria provided, single submitter. Criteria: DGD Variant Analysis Guidelines. Collection method: clinical testing. Allele origin: germline. Affected: yes. Observed: 1 variant allele.
Comment: Clinical Testing